The following is an entry in ClinVar:

NM_005573.4(LMNB1):c.151C>T (p.Arg51Cys)

Gene: LMNB1 (lamin B1; plus strand). Cytogenetic location: 5q23.2.
Variant type: single nucleotide variant.
Coding change: c.151C>T on transcript NM_005573.4 (MANE Select); coding-DNA position 151, C replaced by T.
Protein change: p.Arg51Cys; replaces arginine 51 with cysteine.
Molecular consequence: missense variant. On other transcripts: non-coding transcript variant (1), intron variant (1).
Genome position (GRCh38, 1-based): chr5:126,777,659, C>T. VCF-style: chr5-126777659-C-T. GRCh37 (hg19) VCF-style: chr5-126113351-C-T.
Other names: c.-272+415C>T (NM_001198557.2); short protein forms R51C.
Identifiers: ClinVar variation 1698235 (VCV001698235.2), dbSNP rs2112911928, ClinGen allele CA360724784.

ClinVar aggregate classification (germline): Uncertain significance (1 of 4 stars; one submission).

Submission:

GeneDx
Classification: Uncertain significance. Last evaluated: 2022-01-12. Review status: criteria provided, single submitter. Criteria: GeneDx Variant Classification Process June 2021. Collection method: clinical testing. Allele origin: germline. Affected: yes.
Comment: Not observed at significant frequency in large population cohorts (gnomAD); In silico analysis supports that this missense variant has a deleterious effect on protein structure/function; Has not been previously published as pathogenic or benign to our knowledge